The following is an entry in ClinVar:

NM_006852.6(TLK2):c.1795GAT[4] (p.Asp601_Ser602insAsp)

Gene: TLK2 (tousled like kinase 2; plus strand). Cytogenetic location: 17q23.2.
Variant type: Microsatellite.
Coding change: c.1795GAT[4] on transcript NM_006852.6 (MANE Select); four copies in a row of the 3-base unit GAT starting at c.1795; the reference has three copies in a row; one copy, 3 bases duplicated.
Protein change: p.Asp601_Ser602insAsp.
Genome position (GRCh38, 1-based): chr17:62,602,122-62,602,124, GAT duplicated; duplicating any 3 consecutive bases within chr17:62,602,116-62,602,124 gives the same sequence; the position shown is the placement nearest the transcript's 3' end. VCF-style (leftmost placement, unchanged base first): chr17-62602115-G-GGAT. GRCh37 (hg19) VCF-style: chr17-60679476-G-GGAT.
Other names: c.1861GAT[4], p.Asp623_Ser624insAsp (NM_001284333.3); c.1699GAT[4], p.Asp569_Ser570insAsp (NM_001284363.1, NM_001375272.1, NM_001438203.1 and 1 more transcripts); c.1348GAT[4], p.Asp452_Ser453insAsp (NM_001330418.3, NM_001375273.1); c.1837GAT[4], p.Asp615_Ser616insAsp (NM_001375269.1); c.1795GAT[4], p.Asp601_Ser602insAsp (NM_001375270.1, NM_001375271.1); c.1510GAT[4], p.Asp506_Ser507insAsp (NM_001411074.1); c.1606GAT[4], p.Asp538_Ser539insAsp (NM_001438205.1).
Identifiers: ClinVar variation 4538762 (VCV004538762.2).
Genomic context (GRCh38, chr17:62,602,115, plus strand): 5'-AGTAAATGGTACAGCGTGTGGAGAGATAAAAATTACAGATTTTGGTCTTTCGAAGATCAT[G>GGAT]GATGATGATAGCTACAATTCAGTGGATGGCATGGAGCTAACATCACAAGGTGCTGGTACT-3'

ClinVar aggregate classification (germline): Uncertain significance (1 of 4 stars; one submission).

Submission:

GeneDx
Classification: Uncertain significance. Last evaluated: 2026-06-07. Review status: criteria provided, single submitter. Criteria: GeneDx Variant Classification Process June 2021. Collection method: clinical testing. Allele origin: germline.
Comment: Not observed at significant frequency in large population cohorts (gnomAD); In-frame duplication of 1 amino acid in a non-repeat region; Has not been previously published as pathogenic or benign to our knowledge